The following is an entry in ClinVar:

ClinVar aggregate classification (germline): Conflicting classifications of pathogenicity. Review status: criteria provided, conflicting classifications (1 of 4 stars). 2 submissions from 2 submitters: Uncertain significance (1); Likely benign (1). Last evaluated 2026-02-18.

Conditions:
Child syndrome. Also called: CHILD (Congenital Hemidysplasia with Ichthyosiform Nevus and Limb Defects) Syndrome. Identifiers: Orphanet 139, MedGen C0265267, MONDO:0010621, OMIM 308050.

Submissions (2):

Centre for Medical Genetics,  Mumbai
Classification: Likely benign for Child syndrome. Last evaluated: 2026-02-18. Review status: criteria provided, single submitter. Criteria: ACMG Guidelines, 2015. Collection method: provider interpretation. Allele origin: germline. Inheritance: X-linked dominant inheritance. Affected: no. Observed: 1 homozygote.
Comment: The variant satisfies PM2 criteria; Extremely low frequency in gnomAD population databases. The variant satisfies BP4 criteria; For a missense or a splice region variant, computational prediction tools unanimously support a benign effect on the gene. However, the variant satisfies BS2 criteria; present in homozygous state in an individual that clinically does not have CHILD syndrome.

Labcorp Genetics (formerly Invitae), Labcorp
Classification: Uncertain significance. Last evaluated: 2022-08-24. Review status: criteria provided, single submitter. Criteria: Invitae Variant Classification Sherloc (09022015). Collection method: clinical testing. Allele origin: germline.
Comment: In summary, the available evidence is currently insufficient to determine the role of this variant in disease. Therefore, it has been classified as a Variant of Uncertain Significance. Variants that disrupt the consensus splice site are a relatively common cause of aberrant splicing (PMID: 17576681, 9536098). Algorithms developed to predict the effect of sequence changes on RNA splicing suggest that this variant is not likely to affect RNA splicing. This variant has not been reported in the literature in individuals affected with NSDHL-related conditions. This variant is not present in population databases (gnomAD no frequency). This sequence change falls in intron 5 of the NSDHL gene. It does not directly change the encoded amino acid sequence of the NSDHL protein. It affects a nucleotide within the consensus splice site.

Literature cited by the submitters: PubMed 10710235 (cited by Centre for Medical Genetics,  Mumbai); PubMed 17576681 (cited by Labcorp Genetics (formerly Invitae), Labcorp); PubMed 9536098 (cited by Labcorp Genetics (formerly Invitae), Labcorp).

NM_015922.3(NSDHL):c.544-3C>T

Gene: NSDHL (NAD(P) dependent 3-beta-hydroxysteroid dehydrogenase NSDHL; plus strand). Cytogenetic location: Xq28.
Variant type: single nucleotide variant.
Coding change: c.544-3C>T on transcript NM_015922.3 (MANE Select); 3 bases into the intron before coding-DNA position 544, C replaced by T.
Molecular consequence: intron variant.
Genome position (GRCh38, 1-based): chrX:152,865,816, C>T. VCF-style: chrX-152865816-C-T. GRCh37 (hg19) VCF-style: chrX-152034360-C-T.
Other names: c.544-3C>T (NM_001129765.2).
Identifiers: ClinVar variation 2026762 (VCV002026762.4), dbSNP rs2521807600, ClinGen allele CA2580101729.